The following is an entry in ClinVar:

ClinVar aggregate classification (germline): Likely pathogenic (1 of 4 stars; one submission).

Conditions:
Familial hemophagocytic lymphohistiocytosis 5. Also called: STXBP2-Related Familial Hemophagocytic Lymphohistiocytosis (STXBP2-fHLH). Identifiers: Orphanet 540, MedGen C2751293, MONDO:0013135, OMIM 613101.

Submission:

Labcorp Genetics (formerly Invitae), Labcorp
Classification: Likely pathogenic for Familial hemophagocytic lymphohistiocytosis 5. Last evaluated: 2025-04-03. Review status: criteria provided, single submitter. Criteria: Invitae Variant Classification Sherloc (09022015). Collection method: clinical testing. Allele origin: germline.
Comment: This sequence change affects a donor splice site in intron 10 of the STXBP2 gene. It is expected to disrupt RNA splicing. Variants that disrupt the donor or acceptor splice site typically lead to a loss of protein function (PMID: 16199547), and loss-of-function variants in STXBP2 are known to be pathogenic (PMID: 19804848, 22451424). This variant is not present in population databases (gnomAD no frequency). This variant has not been reported in the literature in individuals affected with STXBP2-related conditions. Algorithms developed to predict the effect of sequence changes on RNA splicing suggest that this variant may disrupt the consensus splice site. In summary, the currently available evidence indicates that the variant is pathogenic, but additional data are needed to prove that conclusively. Therefore, this variant has been classified as Likely Pathogenic.

Literature cited by the submitters: PubMed 16199547; PubMed 19804848; PubMed 22451424.

NM_006949.4(STXBP2):c.902+2T>G

Gene: STXBP2 (syntaxin binding protein 2; plus strand). Cytogenetic location: 19p13.2.
Variant type: single nucleotide variant.
Coding change: c.902+2T>G on transcript NM_006949.4 (MANE Select); the canonical splice donor site of the intron after coding-DNA position 902, T replaced by G.
Molecular consequence: splice donor variant.
Genome position (GRCh38, 1-based): chr19:7,642,538, T>G. VCF-style: chr19-7642538-T-G. GRCh37 (hg19) VCF-style: chr19-7707424-T-G.
Other names: c.806+2T>G (NM_001414484.1); c.935+2T>G (NM_001272034.2); c.893+2T>G (NM_001127396.3).
Identifiers: ClinVar variation 4711570 (VCV004711570.1).